The following is an entry in ClinVar:

NM_015272.5(RPGRIP1L):c.458T>C (p.Val153Ala)

Gene: RPGRIP1L (RPGRIP1 like; minus strand). Cytogenetic location: 16q12.2.
Variant type: single nucleotide variant.
Coding change: c.458T>C on transcript NM_015272.5 (MANE Select); coding-DNA position 458, T replaced by C.
Protein change: p.Val153Ala; replaces valine 153 with alanine.
Molecular consequence: missense variant.
Genome position (GRCh38, 1-based): chr16:53,692,137, A>G on the plus strand (T>C on the coding strand, the complement: RPGRIP1L is on the minus strand). VCF-style: chr16-53692137-A-G. GRCh37 (hg19) VCF-style: chr16-53726049-A-G.
Other names: c.458T>C, p.Val153Ala (NM_001127897.4, NM_001308334.3, NM_001330538.2); c.458T>C (NM_015272.4); short protein forms V153A.
Identifiers: ClinVar variation 849122 (VCV000849122.11), dbSNP rs1970427633, ClinGen allele CA395924760.

ClinVar aggregate classification (germline): Uncertain significance. Review status: criteria provided, single submitter (1 of 4 stars). 3 submissions from 3 submitters: Uncertain significance (1). 2 of the submissions do not count toward it. Last evaluated 2024-02-24.

Conditions:
RPGRIP1L-related disorder. Also called: RPGRIP1L-related disorders; RPGRIP1L-related condition. Identifiers: MedGen CN239416.
Joubert syndrome. Also called: Familial aplasia of the vermis; JOUBERT-BOLTSHAUSER SYNDROME. Identifiers: Orphanet 475, MedGen C5979921, MONDO:0018772.
Meckel-Gruber syndrome. Also called: Dysencephalia splachnocystica; DYSENCEPHALIA SPLANCHNOCYSTICA; GRUBER SYNDROME. Identifiers: Orphanet 564, MedGen C0265215, MONDO:0018921.

Allele frequency attached by ClinVar (database versions not stated): gnomAD exomes below 0.00001.
gnomAD v4.1: 2 of 1,614,022 alleles (0.00012%); highest among the groups gnomAD compares: Middle Eastern, 0.016%; no homozygotes.

Submissions (3):

Labcorp Genetics (formerly Invitae), Labcorp
Classification: Uncertain significance for Joubert syndrome; Meckel-Gruber syndrome. Last evaluated: 2024-02-24. Review status: criteria provided, single submitter. Criteria: Invitae Variant Classification Sherloc (09022015). Collection method: clinical testing. Allele origin: germline.
Comment: This sequence change replaces valine, which is neutral and non-polar, with alanine, which is neutral and non-polar, at codon 153 of the RPGRIP1L protein (p.Val153Ala). This variant is not present in population databases (gnomAD no frequency). This variant has not been reported in the literature in individuals affected with RPGRIP1L-related conditions. ClinVar contains an entry for this variant (Variation ID: 849122). Advanced modeling of protein sequence and biophysical properties (such as structural, functional, and spatial information, amino acid conservation, physicochemical variation, residue mobility, and thermodynamic stability) performed at Invitae indicates that this missense variant is not expected to disrupt RPGRIP1L protein function with a negative predictive value of 80%. In summary, the available evidence is currently insufficient to determine the role of this variant in disease. Therefore, it has been classified as a Variant of Uncertain Significance.

PreventionGenetics, part of Exact Sciences
Classification: Uncertain significance for RPGRIP1L-related condition. Last evaluated: 2024-03-04. Review status: no assertion criteria provided. Collection method: clinical testing. Allele origin: germline. Not counted in ClinVar's aggregate classification.
Comment: The RPGRIP1L c.458T>C variant is predicted to result in the amino acid substitution p.Val153Ala. To our knowledge, this variant has not been reported in the literature or in a large population database, indicating this variant is rare. At this time, the clinical significance of this variant is uncertain due to the absence of conclusive functional and genetic evidence.

Natera, Inc.
Classification: Uncertain significance for Joubert syndrome. Last evaluated: 2020-09-16. Review status: no assertion criteria provided. Collection method: clinical testing. Allele origin: germline. Not counted in ClinVar's aggregate classification.